The following is an entry in ClinVar:

ClinVar aggregate classification (germline): Uncertain significance (1 of 4 stars; one submission).

Submission:

Labcorp Genetics (formerly Invitae), Labcorp
Classification: Uncertain significance. Last evaluated: 2024-08-22. Review status: criteria provided, single submitter. Criteria: Invitae Variant Classification Sherloc (09022015). Collection method: clinical testing. Allele origin: germline.
Comment: This sequence change replaces arginine, which is basic and polar, with tryptophan, which is neutral and slightly polar, at codon 126 of the A4GALT protein (p.Arg126Trp). The frequency data for this variant in the population databases is considered unreliable, as metrics indicate poor data quality at this position in the gnomAD database. This variant has not been reported in the literature in individuals affected with A4GALT-related conditions. An algorithm developed to predict the effect of missense changes on protein structure and function (PolyPhen-2) suggests that this variant is likely to be disruptive. In summary, the available evidence is currently insufficient to determine the role of this variant in disease. Therefore, it has been classified as a Variant of Uncertain Significance.

NM_017436.7(A4GALT):c.376C>T (p.Arg126Trp)

Gene: A4GALT (alpha 1,4-galactosyltransferase (P1PK blood group); minus strand). Cytogenetic location: 22q13.2.
Variant type: single nucleotide variant.
Coding change: c.376C>T on transcript NM_017436.7 (MANE Select); coding-DNA position 376, C replaced by T.
Protein change: p.Arg126Trp; replaces arginine 126 with tryptophan.
Molecular consequence: missense variant.
Genome position (GRCh38, 1-based): chr22:42,693,576, G>A on the plus strand (C>T on the coding strand, the complement: A4GALT is on the minus strand). VCF-style: chr22-42693576-G-A. GRCh37 (hg19) VCF-style: chr22-43089582-G-A.
Other names: c.376C>T, p.Arg126Trp (NM_001318038.3); short protein forms R126W.
Identifiers: ClinVar variation 3609754 (VCV003609754.2).